The following is an entry in ClinVar:

ClinVar aggregate classification (germline): Uncertain significance (1 of 4 stars; one submission).

gnomAD v4.1: 13 of 1,470,758 alleles (0.00088%); highest among the groups gnomAD compares: Non-Finnish European, 0.00091%; no homozygotes.

Submission:

Labcorp Genetics (formerly Invitae), Labcorp
Classification: Uncertain significance. Last evaluated: 2025-03-03. Review status: criteria provided, single submitter. Criteria: Invitae Variant Classification Sherloc (09022015). Collection method: clinical testing. Allele origin: germline.
Comment: This sequence change replaces leucine, which is neutral and non-polar, with isoleucine, which is neutral and non-polar, at codon 298 of the ERBIN protein (p.Leu298Ile). This variant is not present in population databases (gnomAD no frequency). This variant has not been reported in the literature in individuals affected with ERBIN-related conditions. An algorithm developed to predict the effect of missense changes on protein structure and function (PolyPhen-2) suggests that this variant is likely to be disruptive. In summary, the available evidence is currently insufficient to determine the role of this variant in disease. Therefore, it has been classified as a Variant of Uncertain Significance.

NM_001253697.2(ERBIN):c.892T>A (p.Leu298Ile)

Gene: ERBIN (erbb2 interacting protein; plus strand). Cytogenetic location: 5q12.3.
Variant type: single nucleotide variant.
Coding change: c.892T>A on transcript NM_001253697.2 (MANE Select); coding-DNA position 892, T replaced by A.
Protein change: p.Leu298Ile; replaces leucine 298 with isoleucine.
Molecular consequence: missense variant.
Genome position (GRCh38, 1-based): chr5:66,025,849, T>A. VCF-style: chr5-66025849-T-A. GRCh37 (hg19) VCF-style: chr5-65321677-T-A.
Other names: c.892T>A, p.Leu298Ile (NM_001006600.3, NM_001253698.2, NM_001253699.2 and 2 more transcripts); short protein forms L298I.
Identifiers: ClinVar variation 4810635 (VCV004810635.1).